The following is an entry in ClinVar:

NM_022168.4(IFIH1):c.457G>T (p.Ala153Ser)

Gene: IFIH1 (interferon induced with helicase C domain 1; minus strand). Cytogenetic location: 2q24.2.
Variant type: single nucleotide variant.
Coding change: c.457G>T on transcript NM_022168.4 (MANE Select); coding-DNA position 457, G replaced by T.
Protein change: p.Ala153Ser; replaces alanine 153 with serine.
Molecular consequence: missense variant.
Genome position (GRCh38, 1-based): chr2:162,310,930, C>A on the plus strand (G>T on the coding strand, the complement: IFIH1 is on the minus strand). VCF-style: chr2-162310930-C-A. GRCh37 (hg19) VCF-style: chr2-163167440-C-A.
Other names: c.457G>T, p.Ala153Ser (LRG_1235t1); short protein forms A153S.
Identifiers: ClinVar variation 625960 (VCV000625960.6), dbSNP rs781431529, ClinGen allele CA1934799.

ClinVar aggregate classification (germline): Uncertain significance. Review status: criteria provided, multiple submitters, no conflicts (2 of 4 stars). 3 submissions from 2 submitters: Uncertain significance (3). Last evaluated 2024-01-18.

Conditions:
Singleton-Merten syndrome 1 (SGMRT1). Also called: Widened medullary cavities of bone, aortic calcification, abnormal dentition, and muscular weakness; Syndrome of widened medullary cavities of the metacarpals and phalanges, aortic calcification and abnormal dentition. Identifiers: Orphanet 85191, MedGen C4225427, MONDO:0024535, OMIM 182250.
Immunodeficiency 95 (IMD95). Identifiers: MedGen C5676929, MONDO:0030692, OMIM 619773.
Aicardi-Goutieres syndrome 7 (AGS7). Identifiers: Orphanet 51, MedGen C3888244, MONDO:0014367, OMIM 615846.

Allele frequency attached by ClinVar (database versions not stated): gnomAD exomes below 0.00001 and 0.00001; ExAC 0.00002.
gnomAD v4.1: 7 of 1,611,800 alleles (0.00043%); highest among the groups gnomAD compares: Middle Eastern, 0.05%; no homozygotes.

Submissions (3):

Labcorp Genetics (formerly Invitae), Labcorp
Classification: Uncertain significance for Aicardi-Goutieres syndrome 7; Singleton-Merten syndrome 1. Last evaluated: 2024-01-18. Review status: criteria provided, single submitter. Criteria: Invitae Variant Classification Sherloc (09022015). Collection method: clinical testing. Allele origin: germline.
Comment: This sequence change replaces alanine, which is neutral and non-polar, with serine, which is neutral and polar, at codon 153 of the IFIH1 protein (p.Ala153Ser). This variant is present in population databases (rs781431529, gnomAD 0.003%). This variant has not been reported in the literature in individuals affected with IFIH1-related conditions. ClinVar contains an entry for this variant (Variation ID: 625960). Algorithms developed to predict the effect of missense changes on protein structure and function output the following: SIFT: "Not Available"; PolyPhen-2: "Benign"; Align-GVGD: "Not Available". The serine amino acid residue is found in multiple mammalian species, which suggests that this missense change does not adversely affect protein function. In summary, the available evidence is currently insufficient to determine the role of this variant in disease. Therefore, it has been classified as a Variant of Uncertain Significance.

Center for Genomics, Ann and Robert H. Lurie Children's Hospital of Chicago
Classification: Uncertain significance for Immunodeficiency 95; Aicardi-Goutieres syndrome 7; Singleton-Merten syndrome 1. Last evaluated: 2021-03-30. Review status: criteria provided, single submitter. Criteria: ACMG Guidelines, 2015. Collection method: clinical testing. Allele origin: germline.
Comment: IFIH1 NM_022168 exon 2 p.Ala153Ser (c.457G>T): This variant has not been reported in the literature but is present in 1/30460 South Asian alleles in the Genome Aggregation Database. This variant Serine (Ser) is present in >20 species including mammals, and is not well conserved among evolutionarily distant species; this suggests that this variant may not impact the protein. Additional computational prediction tools do not suggest an impact. In summary, data on this variant is insufficient for disease classification. Therefore, the clinical significance of this variant is uncertain.

Center for Genomics, Ann and Robert H. Lurie Children's Hospital of Chicago
Classification: Uncertain significance for Aicardi-Goutieres syndrome 7; Singleton-Merten syndrome 1. Last evaluated: 2017-10-19. Review status: criteria provided, single submitter. Criteria: ACMG Guidelines, 2015. Collection method: clinical testing. Allele origin: germline.
Comment: IFIH1 NM_022168.3 exon 2 p.Ala153Ser (c.457G>T): This variant has not been reported in the literature but is present in 1/30460 South Asian alleles in the Genome Aggregation Database. This variant Serine (Ser) is present in >20 species including mammals, and is not well conserved among evolutionarily distant species; this suggests that this variant may not impact the protein. Additional computational prediction tools do not suggest an impact. In summary, data on this variant is insufficient for disease classification. Therefore, the clinical significance of this variant is uncertain.